The following is an entry in ClinVar:

NM_001122752.2(SERPINI1):c.949A>G (p.Ile317Val)

Gene: SERPINI1 (serpin family I member 1; plus strand). Cytogenetic location: 3q26.1.
Variant type: single nucleotide variant.
Coding change: c.949A>G on transcript NM_001122752.2 (MANE Select); coding-DNA position 949, A replaced by G.
Protein change: p.Ile317Val; replaces isoleucine 317 with valine.
Molecular consequence: missense variant.
Genome position (GRCh38, 1-based): chr3:167,807,311, A>G. VCF-style: chr3-167807311-A-G. GRCh37 (hg19) VCF-style: chr3-167525099-A-G.
Other names: c.949A>G, p.Ile317Val (NM_005025.5); short protein forms I317V.
Identifiers: ClinVar variation 2994583 (VCV002994583.3), dbSNP rs933220573, ClinGen allele CA87837516.

ClinVar aggregate classification (germline): Uncertain significance (1 of 4 stars; one submission).

Conditions:
Familial encephalopathy with neuroserpin inclusion bodies. Also called: ENCEPHALOPATHY, FAMILIAL, WITH COLLINS BODIES. Identifiers: Orphanet 85110, MedGen C1858680, MONDO:0011412, OMIM 604218.

Allele frequency attached by ClinVar (database versions not stated): gnomAD exomes below 0.00001.
gnomAD v4.1: 2 of 1,612,198 alleles (0.00012%); highest among the groups gnomAD compares: Middle Eastern, 0.033%; no homozygotes.

Submission:

Labcorp Genetics (formerly Invitae), Labcorp
Classification: Uncertain significance for Familial encephalopathy with neuroserpin inclusion bodies. Last evaluated: 2024-05-26. Review status: criteria provided, single submitter. Criteria: Invitae Variant Classification Sherloc (09022015). Collection method: clinical testing. Allele origin: germline.
Comment: This sequence change replaces isoleucine, which is neutral and non-polar, with valine, which is neutral and non-polar, at codon 317 of the SERPINI1 protein (p.Ile317Val). This variant is not present in population databases (gnomAD no frequency). This variant has not been reported in the literature in individuals affected with SERPINI1-related conditions. Advanced modeling of protein sequence and biophysical properties (such as structural, functional, and spatial information, amino acid conservation, physicochemical variation, residue mobility, and thermodynamic stability) performed at Invitae indicates that this missense variant is not expected to disrupt SERPINI1 protein function with a negative predictive value of 80%. In summary, the available evidence is currently insufficient to determine the role of this variant in disease. Therefore, it has been classified as a Variant of Uncertain Significance.